The following is an entry in ClinVar:

NM_001371928.1(AHDC1):c.1541C>T (p.Ser514Leu)

Gene: AHDC1 (AT-hook DNA binding motif containing 1; minus strand). Cytogenetic location: 1p36.11.
Variant type: single nucleotide variant.
Coding change: c.1541C>T on transcript NM_001371928.1 (MANE Select); coding-DNA position 1541, C replaced by T.
Protein change: p.Ser514Leu; replaces serine 514 with leucine.
Molecular consequence: missense variant.
Genome position (GRCh38, 1-based): chr1:27,550,575, G>A on the plus strand (C>T on the coding strand, the complement: AHDC1 is on the minus strand). VCF-style: chr1-27550575-G-A. GRCh37 (hg19) VCF-style: chr1-27877086-G-A.
Other names: c.1541C>T, p.Ser514Leu (NM_001029882.3); short protein forms S514L.
Identifiers: ClinVar variation 2910102 (VCV002910102.3), dbSNP rs575850241, ClinGen allele CA715926.

ClinVar aggregate classification (germline): Uncertain significance (1 of 4 stars; one submission).

Allele frequency attached by ClinVar (database versions not stated): gnomAD exomes 0.00001; ExAC 0.00002; gnomAD 0.00005; TOPMed 0.00005; 1000 Genomes Project 30x 0.00016; 1000 Genomes Project 0.00020.
gnomAD v4.1: 24 of 1,613,676 alleles (0.0015%); highest among the groups gnomAD compares: East Asian, 0.022%; no homozygotes.

Submission:

Labcorp Genetics (formerly Invitae), Labcorp
Classification: Uncertain significance. Last evaluated: 2024-03-06. Review status: criteria provided, single submitter. Criteria: Invitae Variant Classification Sherloc (09022015). Collection method: clinical testing. Allele origin: germline.
Comment: This sequence change replaces serine, which is neutral and polar, with leucine, which is neutral and non-polar, at codon 514 of the AHDC1 protein (p.Ser514Leu). This variant is present in population databases (rs575850241, gnomAD 0.06%), and has an allele count higher than expected for a pathogenic variant. This missense change has been observed in individual(s) with AHDC1-related conditions (PMID: 25363768, 28714951, 35982159). An algorithm developed to predict the effect of missense changes on protein structure and function (PolyPhen-2) suggests that this variant is likely to be disruptive. In summary, the available evidence is currently insufficient to determine the role of this variant in disease. Therefore, it has been classified as a Variant of Uncertain Significance.

Literature cited by the submitters: PubMed 25363768; PubMed 28714951; PubMed 35982159.